The following is an entry in ClinVar:

NM_000132.4(F8):c.1952A>C (p.His651Pro)

Gene: F8 (coagulation factor VIII; minus strand). Cytogenetic location: Xq28.
Variant type: single nucleotide variant.
Coding change: c.1952A>C on transcript NM_000132.4 (MANE Select); coding-DNA position 1952, A replaced by C.
Protein change: p.His651Pro; replaces histidine 651 with proline.
Molecular consequence: missense variant.
Genome position (GRCh38, 1-based): chrX:154,947,859, T>G on the plus strand (A>C on the coding strand, the complement: F8 is on the minus strand). VCF-style: chrX-154947859-T-G. GRCh37 (hg19) VCF-style: chrX-154176134-T-G.
Other names: short protein forms H651P.
Identifiers: ClinVar variation 618639 (VCV000618639.8), dbSNP rs1569559758, ClinGen allele CA414909573.
Genomic context (GRCh38, chrX:154,947,859, plus strand): 5'-AAGACAGAAAGGAAGTCAGTCTGTGCTCCAATGCTTAGAATGTACCAGTATGCCACCTCA[T>G]GCAAACAAACTGACAACTGCAAACTATCAAAAACATAGCCATTGATGCCTGCAAAAACAA-3'
Protein context (NP_000123.1, residues 641-661): FDSLQLSVCL[His651Pro]EVAYWYILSI

ClinVar aggregate classification (germline): Likely pathogenic (1 of 4 stars; one submission).

Submission:

ARUP Laboratories, Molecular Genetics and Genomics, ARUP Laboratories
Classification: Likely pathogenic. Last evaluated: 2018-04-03. Review status: criteria provided, single submitter. Criteria: ARUP Molecular Germline Variant Investigation Process. Collection method: clinical testing. Allele origin: germline.
Comment: The F8 c.1952A>c; The variant is not reported in the ClinVar database, nor is it present in the general population databases (1000 Genomes Project, Exome Variant Server, and Genome Aggregation Database), indicating it is not a common polymorphism. The histidine at codon 651 is conserved across species, but computational algorithms (PolyPhen-2, SIFT) predict conflicting effects of this variant on protein structure/function. Considering available information, this variant is classified as likely pathogenic. References: Rydz N et al. The Canadian National Program for hemophilia mutation testing" database: a ten-year review. Am J Hematol. 2013 Dec;88(12):1030-4. "